The following is an entry in ClinVar:

ClinVar aggregate classification (germline): Conflicting classifications of pathogenicity. Review status: criteria provided, conflicting classifications (1 of 4 stars). 8 submissions from 8 submitters: Pathogenic (1); Likely pathogenic (2); Uncertain significance (3). 2 of the submissions do not count toward it. Last evaluated 2026-08-12.

Conditions:
SLC45A2-related disorder. Also called: SLC45A2-related condition.
Oculocutaneous albinism type 4 (OCA4). Also called: Albinism, oculocutaneous, type IV. Identifiers: Orphanet 79435, MedGen C1847836, MONDO:0011683, OMIM 606574.
SKIN/HAIR/EYE PIGMENTATION 5, BLACK/NONBLACK HAIR (SHEP5). Also called: SKIN/HAIR/EYE PIGMENTATION, VARIATION IN, 5; SKIN/HAIR/EYE PIGMENTATION 5, DARK/FAIR SKIN; SKIN/HAIR/EYE PIGMENTATION 5, DARK/LIGHT EYES. Identifiers: MedGen C2673584, OMIM 227240.

Allele frequency attached by ClinVar (database versions not stated): gnomAD exomes 0.00004 and 0.00003; gnomAD 0.00006; ESP Exome Variant Server 0.00023; TOPMed 0.00006; ExAC 0.00003.
gnomAD v4.1: 55 of 1,614,090 alleles (0.0034%); highest among the groups gnomAD compares: Non-Finnish European, 0.0047%; no homozygotes.

Submissions (8):

Broad Center for Mendelian Genomics, Broad Institute of MIT and Harvard
Classification: Likely pathogenic for Oculocutaneous albinism type 4. Last evaluated: 2026-08-12. Review status: criteria provided, single submitter. Criteria: ACMG Guidelines, 2015. Collection method: research. Allele origin: germline. Inheritance: Autosomal recessive inheritance. Study: GREGoR Consortium.
Comment: Trio genome analysis revealed that this variant was in trans with the VUS. The p.Leu361Pro variant in SLC45A2 has been reported in 5 individuals with oculocutaneous albinism type 4 (PMID: 14722913, 34078970, 29345414), and has been identified in 0.005% (55/1180036) of European (non-Finnish) chromosomes by the Genome Aggregation Database (gnomAD; dbSNP rs121912619). Although this variant has been seen in the general population in a heterozygous state, its frequency is low enough to be consistent with a recessive carrier frequency. This variant has also been reported in ClinVar (Variation ID: 4499) and has been interpreted as pathogenic by Labcorp Genetics (formerly Invitae), likely pathogenic by Fulgent Genetics, and a variant of uncertain significance by Eurofins Ntd Llc and 3billion. Of the 5 affected individuals, 4 were compound heterozygotes that carried a reported pathogenic variant in trans or with unknown phase, and 1 was a homozygote, which increases the likelihood that the p.Leu361Pro variant is pathogenic (Variation ID: 1184503, 4500 1347593; PMID: 34078970, 14722913, 29345414). Computational prediction tools and conservation analyses suggest that this variant may impact the protein, though this information is not predictive enough to determine pathogenicity. In summary, although additional studies are required to fully establish its clinical significance, this variant is likely pathogenic for autosomal recessive oculocutaneous albinism type 4. ACMG/AMP Criteria applied: PM3_strong, PP3, PM2_supporting (Richards 2015).

Labcorp Genetics (formerly Invitae), Labcorp
Classification: Pathogenic. Last evaluated: 2026-01-28. Review status: criteria provided, single submitter. Criteria: Invitae Variant Classification Sherloc (09022015). Collection method: clinical testing. Allele origin: germline.
Comment: This sequence change replaces leucine, which is neutral and non-polar, with proline, which is neutral and non-polar, at codon 361 of the SLC45A2 protein (p.Leu361Pro). This variant is present in population databases (rs121912619, gnomAD 0.01%). This missense change has been observed in individual(s) with clinical features of oculocutaneous albinism (PMID: 14722913, 29345414, 34078970; internal data). In at least one individual the data is consistent with being in trans (on the opposite chromosome) from a pathogenic variant. ClinVar contains an entry for this variant (Variation ID: 4499). Invitae Evidence Modeling of protein sequence and biophysical properties (such as structural, functional, and spatial information, amino acid conservation, physicochemical variation, residue mobility, and thermodynamic stability) indicates that this missense variant is not expected to disrupt SLC45A2 protein function with a negative predictive value of 80%. For these reasons, this variant has been classified as Pathogenic.

3billion
Classification: Uncertain significance for Oculocutaneous albinism type 4. Last evaluated: 2024-02-05. Review status: criteria provided, single submitter. Criteria: ACMG Guidelines, 2015. Collection method: clinical testing. Allele origin: germline. Affected: yes.
Comment: The variant is observed at an extremely low frequency in the gnomAD v2.1.1 dataset (total allele frequency: 0.004%). Predicted Consequence/Location: Missense variant In silico tool predictions suggest damaging effect of the variant on gene or gene product [REVEL: 0.70 (>=0.6, sensitivity 0.68 and specificity 0.92)]. Same nucleotide change resulting in same amino acid change has been previously reported to be associated with SLC45A2-related disorder (ClinVar ID: VCV000004499 /PMID: 14722913). However, the evidence of pathogenicity is insufficient at this time. Therefore, this variant is classified as VUS according to the recommendation of ACMG/AMP guideline.

Fulgent Genetics
Classification: Likely pathogenic for SKIN/HAIR/EYE PIGMENTATION 5, BLACK/NONBLACK HAIR; Oculocutaneous albinism type 4. Last evaluated: 2024-02-01. Review status: criteria provided, single submitter. Criteria: ACMG Guidelines, 2015. Collection method: clinical testing. Allele origin: germline.

Blueprint Genetics
Classification: Uncertain significance. Last evaluated: 2023-06-13. Review status: criteria provided, single submitter. Criteria: ACMG Guidelines, 2015. Collection method: clinical testing. Allele origin: germline.

Eurofins Ntd Llc (ga)
Classification: Uncertain significance. Last evaluated: 2014-12-09. Review status: criteria provided, single submitter. Criteria: EGL Classification Definitions 2015. Collection method: clinical testing. Allele origin: germline. Observed: 2 variant alleles, 2 heterozygotes.

PreventionGenetics, part of Exact Sciences
Classification: Likely pathogenic for SLC45A2-related condition. Last evaluated: 2024-08-02. Review status: no assertion criteria provided. Collection method: clinical testing. Allele origin: germline. Not counted in ClinVar's aggregate classification.
Comment: The SLC45A2 c.1082T>C variant is predicted to result in the amino acid substitution p.Leu361Pro. This variant has been reported in the homozygous and compound heterozygous states in individuals with oculocutaneous albinism (gene referred to as MATP in Rundshagen et al. 2004. PubMed ID: 14722913; Kruijt et al. 2021. PubMed ID: 34078970). This variant is reported in 0.0085% of alleles in individuals of European (Non-Finnish) descent in gnomAD. Given the evidence, we interpret this variant as likely pathogenic.

OMIM
Classification: Pathogenic for OCULOCUTANEOUS ALBINISM, TYPE IV. Last evaluated: 2004-02-01. Review status: no assertion criteria provided. Collection method: literature only. Allele origin: germline. Not counted in ClinVar's aggregate classification.

Literature cited by the submitters: PubMed 14722913 (cited by 3 submitters); PubMed 29345414 (cited by Labcorp Genetics (formerly Invitae), Labcorp); PubMed 34078970 (cited by Labcorp Genetics (formerly Invitae), Labcorp).

NM_016180.5(SLC45A2):c.1082T>C (p.Leu361Pro)

Gene: SLC45A2 (solute carrier family 45 member 2; minus strand). Cytogenetic location: 5p13.2.
Variant type: single nucleotide variant.
Coding change: c.1082T>C on transcript NM_016180.5 (MANE Select); coding-DNA position 1082, T replaced by C.
Protein change: p.Leu361Pro; replaces leucine 361 with proline.
Molecular consequence: missense variant. On other transcripts: 3 prime UTR variant (1).
Genome position (GRCh38, 1-based): chr5:33,951,628, A>G on the plus strand (T>C on the coding strand, the complement: SLC45A2 is on the minus strand). VCF-style: chr5-33951628-A-G. GRCh37 (hg19) VCF-style: chr5-33951733-A-G.
Other names: NM_001297417.4:c.*24T>C; c.1082T>C, p.Leu361Pro (NM_001012509.4); c.*24T>C (NM_001297417.4); c.1082T>C (NM_016180.4); short protein forms L361P.
Identifiers: ClinVar variation 4499 (VCV000004499.15), dbSNP rs121912619, ClinGen allele CA246185.